The following is an entry in ClinVar:

NM_000535.5(PMS2):c.-50G>T

Gene: PMS2 (PMS1 homolog 2, mismatch repair system component; minus strand). Cytogenetic location: 7p22.1.
Variant type: single nucleotide variant.
Coding change: c.-50G>T on transcript NM_000535.5; 50 bases upstream of the start codon, G replaced by T.
Molecular consequence: non-coding transcript variant (on NR_136154.1).
Genome position (GRCh38, 1-based): chr7:6,009,069, C>A on the plus strand (G>T on the coding strand, the complement: PMS2 is on the minus strand). VCF-style: chr7-6009069-C-A. GRCh37 (hg19) VCF-style: chr7-6048700-C-A.
Identifiers: ClinVar variation 511009 (VCV000511009.3), dbSNP rs557908122, ClinGen allele CA153252660.

ClinVar aggregate classification (germline): Likely benign (1 of 4 stars; one submission).

gnomAD v4.1: 4 of 1,601,654 alleles (0.00025%); highest among the groups gnomAD compares: East Asian, 0.0022%; no homozygotes.

Submission:

GeneDx
Classification: Likely benign. Last evaluated: 2017-07-26. Review status: criteria provided, single submitter. Criteria: GeneDx Variant Classification (06012015). Collection method: clinical testing. Allele origin: germline. Affected: yes.
Comment: This variant is considered likely benign or benign based on one or more of the following criteria: it is a conservative change, it occurs at a poorly conserved position in the protein, it is predicted to be benign by multiple in silico algorithms, and/or has population frequency not consistent with disease.